The following is an entry in ClinVar:

ClinVar aggregate classification (germline): Likely pathogenic. Review status: criteria provided, multiple submitters, no conflicts (2 of 4 stars). 3 submissions from 3 submitters: Likely pathogenic (3). Last evaluated 2024-01-18.

Conditions:
Juvenile nephropathic cystinosis. Also called: Intermediate Cystinosis; CYSTINOSIS, LATE-ONSET JUVENILE OR ADOLESCENT NEPHROPATHIC TYPE; Later-Onset (Juvenile) Cystinosis. Identifiers: Orphanet 213, Orphanet 411634, MedGen C0268626, MONDO:0009066, OMIM 219900.
Inborn genetic diseases. Identifiers: MedGen C0950123, MeSH D030342.
Ocular cystinosis. Also called: Non-Nephropathic Cystinosis; Non-Nephropathic (Ocular) Cystinosis. Identifiers: Orphanet 213, Orphanet 411641, MedGen C2931013, MONDO:0009064, OMIM 219750.
Nephropathic cystinosis (CTNS). Also called: CYSTINOSIN, DEFECT OF; LYSOSOMAL CYSTINE TRANSPORT PROTEIN, DEFECT OF; Abderhalden Lignac Kaufmann disease; Abderhalden-Kaufmann-Lignac syndrome. Identifiers: Orphanet 213, Orphanet 411629, MedGen C2931187, MONDO:0100151, OMIM 219800.

Allele frequency attached by ClinVar (database versions not stated): gnomAD exomes below 0.00001 and 0.00001; gnomAD 0.00001; TOPMed 0.00001; ExAC 0.00002.
gnomAD v4.1: 4 of 1,613,552 alleles (0.00025%); highest among the groups gnomAD compares: African/African-American, 0.004%; no homozygotes.

Submissions (3):

Fulgent Genetics
Classification: Likely pathogenic for Ocular cystinosis; Nephropathic cystinosis; Juvenile nephropathic cystinosis. Last evaluated: 2024-01-18. Review status: criteria provided, single submitter. Criteria: ACMG Guidelines, 2015. Collection method: clinical testing. Allele origin: germline.

Baylor Genetics
Classification: Likely pathogenic for Nephropathic cystinosis. Last evaluated: 2023-02-19. Review status: criteria provided, single submitter. Criteria: ACMG Guidelines, 2015. Collection method: clinical testing. Allele origin: unknown.

Labcorp Genetics (formerly Invitae), Labcorp
Classification: Likely pathogenic for Inborn genetic diseases; Ocular cystinosis; Juvenile nephropathic cystinosis. Last evaluated: 2021-04-02. Review status: criteria provided, single submitter. Criteria: Invitae Variant Classification Sherloc (09022015). Collection method: clinical testing. Allele origin: germline.
Comment: This sequence change affects a donor splice site in intron 3 of the CTNS gene. It is expected to disrupt RNA splicing. Variants that disrupt the donor or acceptor splice site typically lead to a loss of protein function (PMID: 16199547), and loss-of-function variants in CTNS are known to be pathogenic (PMID: 9537412, 27102039). This variant is present in population databases (rs767289120, ExAC 0.02%). This variant has not been reported in the literature in individuals with CTNS-related conditions. Algorithms developed to predict the effect of sequence changes on RNA splicing suggest that this variant may disrupt the consensus splice site, but this prediction has not been confirmed by published transcriptional studies. In summary, the currently available evidence indicates that the variant is pathogenic, but additional data are needed to prove that conclusively. Therefore, this variant has been classified as Likely Pathogenic.

Literature cited by the submitters: PubMed 16199547 (cited by Labcorp Genetics (formerly Invitae), Labcorp); PubMed 9537412 (cited by Labcorp Genetics (formerly Invitae), Labcorp); PubMed 27102039 (cited by Labcorp Genetics (formerly Invitae), Labcorp).

NM_004937.3(CTNS):c.61+2T>C

Gene: CTNS (cystinosin, lysosomal cystine transporter; plus strand). Cytogenetic location: 17p13.2.
Variant type: single nucleotide variant.
Coding change: c.61+2T>C on transcript NM_004937.3 (MANE Select); the canonical splice donor site of the intron after coding-DNA position 61, T replaced by C.
Molecular consequence: splice donor variant. On other transcripts: intron variant (2).
Genome position (GRCh38, 1-based): chr17:3,640,269, T>C. VCF-style: chr17-3640269-T-C. GRCh37 (hg19) VCF-style: chr17-3543563-T-C.
Other names: c.61+2T>C (NM_001031681.3, NM_001374492.1); c.-296+2T>C (NM_001374493.1); c.-217+2T>C (NM_001374495.1); c.-381+2953T>C (NM_001374494.1); c.-296+2953T>C (NM_001374496.1).
Identifiers: ClinVar variation 1504210 (VCV001504210.13), dbSNP rs767289120, ClinGen allele CA8291529.